The following is an entry in ClinVar:

ClinVar aggregate classification (germline): Benign/Likely benign. Review status: criteria provided, multiple submitters, no conflicts (2 of 4 stars). 2 submissions from 2 submitters: Benign (1); Likely benign (1). Last evaluated 2024-12-17.

Conditions:
Hereditary nonpolyposis colorectal neoplasms. Identifiers: MedGen C0009405, MeSH D003123.
Lynch syndrome 5 (LYNCH5). Also called: Colorectal cancer, hereditary nonpolyposis, type 5; Hereditary non-polyposis colorectal cancer, type 5. Identifiers: Orphanet 144, MedGen C1833477, MONDO:0013710, OMIM 614350. Disease mechanism: loss of function.

Submissions (2):

Myriad Genetics, Inc.
Classification: Benign for Lynch syndrome 5. Last evaluated: 2024-12-17. Review status: criteria provided, single submitter. Criteria: Myriad Autosomal Dominant, Autosomal Recessive and X-Linked Classification Criteria (2023). Collection method: clinical testing. Allele origin: unknown.
Comment: This variant is considered benign. This variant is a silent/synonymous amino acid change and it is not expected to impact splicing.

Labcorp Genetics (formerly Invitae), Labcorp
Classification: Likely benign for Hereditary nonpolyposis colorectal neoplasms. Last evaluated: 2024-02-12. Review status: criteria provided, single submitter. Criteria: Invitae Variant Classification Sherloc (09022015). Collection method: clinical testing. Allele origin: germline.

NM_000179.3(MSH6):c.147C>G (p.Ala49=)

Gene: MSH6 (mutS homolog 6; plus strand). Cytogenetic location: 2p16.3.
Variant type: single nucleotide variant.
Coding change: c.147C>G on transcript NM_000179.3 (MANE Select); coding-DNA position 147, C replaced by G.
Protein change: p.Ala49=; no amino-acid change (alanine 49 retained).
Molecular consequence: synonymous variant. On other transcripts: 5 prime UTR variant (7), missense variant (1), non-coding transcript variant (5), intron variant (5).
Genome position (GRCh38, 1-based): chr2:47,783,380, C>G. VCF-style: chr2-47783380-C-G. GRCh37 (hg19) VCF-style: chr2-48010519-C-G.
Other names: c.147C>G, p.Ala49= (NM_001281492.2, NM_001406795.1, NM_001406796.1 and 9 more transcripts); c.-590C>G (NM_001281493.2, NM_001406811.1); c.-182C>G (NM_001406799.1); c.92C>G, p.Pro31Arg (NM_001406804.1); c.-782C>G (NM_001406807.1); c.-437C>G (NM_001406812.1); c.-848C>G (NM_001406814.1); c.-393C>G (NM_001406816.1); and 3 more; short protein forms P31R.
Identifiers: ClinVar variation 3614081 (VCV003614081.3).